The following is an entry in ClinVar:

NM_018136.5(ASPM):c.5055G>T (p.Leu1685Phe)

Gene: ASPM (assembly factor for spindle microtubules; minus strand). Cytogenetic location: 1q31.3.
Variant type: single nucleotide variant.
Coding change: c.5055G>T on transcript NM_018136.5 (MANE Select); coding-DNA position 5055, G replaced by T.
Protein change: p.Leu1685Phe; replaces leucine 1685 with phenylalanine.
Molecular consequence: missense variant. On other transcripts: intron variant (1).
Genome position (GRCh38, 1-based): chr1:197,104,196, C>A on the plus strand (G>T on the coding strand, the complement: ASPM is on the minus strand). VCF-style: chr1-197104196-C-A. GRCh37 (hg19) VCF-style: chr1-197073326-C-A.
Other names: c.4066-8032G>T (NM_001206846.2); short protein forms L1685F.
Identifiers: ClinVar variation 1033887 (VCV001033887.2), dbSNP rs768697877, ClinGen allele CA1309819.

ClinVar aggregate classification (germline): Uncertain significance. Review status: criteria provided, multiple submitters, no conflicts (2 of 4 stars). 2 submissions from 2 submitters: Uncertain significance (2). Last evaluated 2023-12-29.

Conditions:
Microcephaly 5, primary, autosomal recessive (MCPH5). Also called: ASPM Primary Microcephaly. Identifiers: Orphanet 2512, MedGen C1837501, MONDO:0012106, OMIM 608716.

Allele frequency attached by ClinVar (database versions not stated): gnomAD 0.00001; ExAC 0.00002.
gnomAD v4.1: 21 of 1,612,392 alleles (0.0013%); highest among the groups gnomAD compares: Non-Finnish European, 0.0017%; no homozygotes.

Submissions (2):

Fulgent Genetics
Classification: Uncertain significance for Microcephaly 5, primary, autosomal recessive. Last evaluated: 2023-12-29. Review status: criteria provided, single submitter. Criteria: ACMG Guidelines, 2015. Collection method: clinical testing. Allele origin: germline.

Baylor Genetics
Classification: Uncertain significance for Microcephaly 5, primary, autosomal recessive. Last evaluated: 2018-03-19. Review status: criteria provided, single submitter. Criteria: ACMG Guidelines, 2015. Collection method: clinical testing. Allele origin: maternal. Affected: yes.
Comment: This variant was determined to be of uncertain significance according to ACMG Guidelines, 2015 [PMID:25741868].